The following is an entry in ClinVar:

ClinVar aggregate classification (germline): Benign. Review status: criteria provided, single submitter (1 of 4 stars). 2 submissions from 2 submitters: Benign (1). 1 of the submissions does not count toward it. Last evaluated 2026-02-01.

Conditions:
PPP1R15B-related disorder. Also called: PPP1R15B-related condition.

Allele frequency attached by ClinVar (database versions not stated): ExAC 0.03238; gnomAD 0.04477; 1000 Genomes Project 30x 0.07136; ESP Exome Variant Server 0.04058; TOPMed 0.05219; 1000 Genomes Project 0.07009.
gnomAD v4.1: 23,546 of 1,613,734 alleles (1.5%); highest among the groups gnomAD compares: African/African-American, 12%; 1,032 homozygotes.

Submissions (2):

Labcorp Genetics (formerly Invitae), Labcorp
Classification: Benign. Last evaluated: 2026-02-01. Review status: criteria provided, single submitter. Criteria: Invitae Variant Classification Sherloc (09022015). Collection method: clinical testing. Allele origin: germline.

PreventionGenetics, part of Exact Sciences
Classification: Benign for PPP1R15B-related condition. Last evaluated: 2019-06-25. Review status: no assertion criteria provided. Collection method: clinical testing. Allele origin: germline. Not counted in ClinVar's aggregate classification.
Comment: This variant is classified as benign based on ACMG/AMP sequence variant interpretation guidelines (Richards et al. 2015 PMID: 25741868, with internal and published modifications).

NM_032833.5(PPP1R15B):c.57G>C (p.Arg19=)

Gene: PPP1R15B (protein phosphatase 1 regulatory subunit 15B; minus strand). Cytogenetic location: 1q32.1.
Variant type: single nucleotide variant.
Coding change: c.57G>C on transcript NM_032833.5 (MANE Select); coding-DNA position 57, G replaced by C.
Protein change: p.Arg19=; no amino-acid change (arginine 19 retained).
Molecular consequence: synonymous variant.
Genome position (GRCh38, 1-based): chr1:204,411,355, C>G on the plus strand (G>C on the coding strand, the complement: PPP1R15B is on the minus strand). VCF-style: chr1-204411355-C-G. GRCh37 (hg19) VCF-style: chr1-204380483-C-G.
Other names: c.57G>C (NM_032833.4).
Identifiers: ClinVar variation 2113114 (VCV002113114.6), dbSNP rs34146119, ClinGen allele CA1346917.